The following is an entry in ClinVar:

ClinVar aggregate classification (germline): Uncertain significance (1 of 4 stars; one submission).

Conditions:
Glycogen storage disease, type II (IOPD). Also called: Pompe Disease; GLYCOGENOSIS, GENERALIZED, CARDIAC FORM; GSD II; Glucosidase acid-1,4-alpha deficiency; Glycogen storage disease type 2; Acid maltase deficiency disease. Identifiers: Orphanet 365, MedGen C0017921, MONDO:0009290, OMIM 232300.

Submission:

Labcorp Genetics (formerly Invitae), Labcorp
Classification: Uncertain significance for Glycogen storage disease, type II. Last evaluated: 2025-07-29. Review status: criteria provided, single submitter. Criteria: Invitae Variant Classification Sherloc (09022015). Collection method: clinical testing. Allele origin: germline.
Comment: This sequence change replaces aspartic acid, which is acidic and polar, with glycine, which is neutral and non-polar, at codon 409 of the GAA protein (p.Asp409Gly). This variant is not present in population databases (gnomAD no frequency). This variant has not been reported in the literature in individuals affected with GAA-related conditions. Invitae Evidence Modeling of protein sequence and biophysical properties (such as structural, functional, and spatial information, amino acid conservation, physicochemical variation, residue mobility, and thermodynamic stability) indicates that this missense variant is expected to disrupt GAA protein function with a positive predictive value of 95%. In summary, the available evidence is currently insufficient to determine the role of this variant in disease. Therefore, it has been classified as a Variant of Uncertain Significance.

NM_000152.5(GAA):c.1226A>G (p.Asp409Gly)

Gene: GAA (alpha glucosidase; plus strand). Cytogenetic location: 17q25.3.
Variant type: single nucleotide variant.
Coding change: c.1226A>G on transcript NM_000152.5 (MANE Select); coding-DNA position 1226, A replaced by G.
Protein change: p.Asp409Gly; replaces aspartic acid 409 with glycine.
Molecular consequence: missense variant.
Genome position (GRCh38, 1-based): chr17:80,108,728, A>G. VCF-style: chr17-80108728-A-G. GRCh37 (hg19) VCF-style: chr17-78082527-A-G.
Other names: c.1226A>G, p.Asp409Gly (NM_001079803.3, NM_001079804.3, NM_001406741.1 and 1 more transcripts); short protein forms D409G.
Identifiers: ClinVar variation 4707055 (VCV004707055.1).